The following is an entry in ClinVar:

ClinVar aggregate classification (germline): Likely benign. Review status: criteria provided, multiple submitters, no conflicts (2 of 4 stars). 4 submissions from 4 submitters: Likely benign (3). 1 of the submissions does not count toward it. Last evaluated 2025-12-03.

Conditions:
Ehlers-Danlos syndrome, dermatosparaxis type. Also called: EDS VIIC; Dermatosparaxis; Ehlers-Danlos syndrome, type VII, autosomal recessive. Identifiers: Orphanet 1901, MedGen C2700425, MONDO:0009161, OMIM 225410.

Allele frequency attached by ClinVar (database versions not stated): gnomAD exomes 0.00003 and 0.00004; TOPMed 0.00003; gnomAD 0.00003; ExAC 0.00005.
gnomAD v4.1: 52 of 1,613,178 alleles (0.0032%); highest among the groups gnomAD compares: Non-Finnish European, 0.0031%; no homozygotes.

Submissions (4):

Labcorp Genetics (formerly Invitae), Labcorp
Classification: Likely benign for Ehlers-Danlos syndrome, dermatosparaxis type. Last evaluated: 2025-12-03. Review status: criteria provided, single submitter. Criteria: Invitae Variant Classification Sherloc (09022015). Collection method: clinical testing. Allele origin: germline.

Mayo Clinic Laboratories, Mayo Clinic
Classification: Likely benign. Last evaluated: 2025-08-05. Review status: criteria provided, single submitter. Criteria: ACMG Guidelines, 2015. Collection method: clinical testing. Allele origin: germline. Observed: 1 variant allele.
Comment: BP4, BP7

Women's Health and Genetics/Laboratory Corporation of America, LabCorp
Classification: Likely benign. Last evaluated: 2025-05-23. Review status: criteria provided, single submitter. Criteria: LabCorp Variant Classification Summary - May 2015. Collection method: clinical testing. Allele origin: germline.

Natera, Inc.
Classification: Likely benign for Ehlers-Danlos syndrome type VIIC. Last evaluated: 2020-09-16. Review status: no assertion criteria provided. Collection method: clinical testing. Allele origin: germline. Not counted in ClinVar's aggregate classification.

NM_014244.5(ADAMTS2):c.600G>A (p.Ala200=)

Gene: ADAMTS2 (ADAM metallopeptidase with thrombospondin type 1 motif 2; minus strand). Cytogenetic location: 5q35.3.
Variant type: single nucleotide variant.
Coding change: c.600G>A on transcript NM_014244.5 (MANE Select); coding-DNA position 600, G replaced by A.
Protein change: p.Ala200=; no amino-acid change (alanine 200 retained).
Molecular consequence: synonymous variant.
Genome position (GRCh38, 1-based): chr5:179,272,999, C>T on the plus strand (G>A on the coding strand, the complement: ADAMTS2 is on the minus strand). VCF-style: chr5-179272999-C-T. GRCh37 (hg19) VCF-style: chr5-178700000-C-T.
Other names: p.Ala200=; c.600G>A, p.Ala200= (NM_021599.4).
Identifiers: ClinVar variation 773957 (VCV000773957.13), dbSNP rs761444202, ClinGen allele CA3596257.